The following is an entry in ClinVar:

NM_024665.7(TBL1XR1):c.323C>T (p.Ala108Val)

Gene: TBL1XR1 (TBL1X/Y related 1; minus strand). Cytogenetic location: 3q26.32.
Variant type: single nucleotide variant.
Coding change: c.323C>T on transcript NM_024665.7 (MANE Select); coding-DNA position 323, C replaced by T.
Protein change: p.Ala108Val; replaces alanine 108 with valine.
Molecular consequence: missense variant.
Genome position (GRCh38, 1-based): chr3:177,051,608, G>A on the plus strand (C>T on the coding strand, the complement: TBL1XR1 is on the minus strand). VCF-style: chr3-177051608-G-A. GRCh37 (hg19) VCF-style: chr3-176769396-G-A.
Other names: c.323C>T, p.Ala108Val (NM_001321193.3, NM_001321194.3, NM_001374327.1 and 2 more transcripts); c.62C>T, p.Ala21Val (NM_001321195.3, NM_001374330.1); short protein forms A108V, A21V.
Identifiers: ClinVar variation 571087 (VCV000571087.11), dbSNP rs1056676313, ClinGen allele CA89089414.

ClinVar aggregate classification (germline): Uncertain significance. Review status: criteria provided, multiple submitters, no conflicts (2 of 4 stars). 3 submissions from 3 submitters: Uncertain significance (3). Last evaluated 2026-01-16.

Conditions:
Inborn genetic diseases. Identifiers: MedGen C0950123, MeSH D030342.
Pierpont syndrome (PRPTS). Identifiers: Orphanet 487825, MedGen C1865644, MONDO:0011213, OMIM 602342.

Allele frequency attached by ClinVar (database versions not stated): gnomAD exomes below 0.00001; TOPMed 0.00001.

Submissions (3):

GeneDx
Classification: Uncertain significance. Last evaluated: 2026-01-16. Review status: criteria provided, single submitter. Criteria: GeneDx Variant Classification Process June 2021. Collection method: clinical testing. Allele origin: germline.
Comment: In silico analysis supports that this missense variant has a deleterious effect on protein structure/function; Has not been previously published as pathogenic or benign to our knowledge

Ambry Genetics
Classification: Uncertain significance for Inborn genetic diseases. Last evaluated: 2024-12-16. Review status: criteria provided, single submitter. Criteria: Ambry Variant Classification Scheme 2023. Collection method: clinical testing. Allele origin: germline.

Labcorp Genetics (formerly Invitae), Labcorp
Classification: Uncertain significance for Pierpont syndrome. Last evaluated: 2024-02-08. Review status: criteria provided, single submitter. Criteria: Invitae Variant Classification Sherloc (09022015). Collection method: clinical testing. Allele origin: germline.
Comment: This sequence change replaces alanine, which is neutral and non-polar, with valine, which is neutral and non-polar, at codon 108 of the TBL1XR1 protein (p.Ala108Val). This variant is not present in population databases (gnomAD no frequency). This variant has not been reported in the literature in individuals affected with TBL1XR1-related conditions. ClinVar contains an entry for this variant (Variation ID: 571087). Advanced modeling of protein sequence and biophysical properties (such as structural, functional, and spatial information, amino acid conservation, physicochemical variation, residue mobility, and thermodynamic stability) performed at Invitae indicates that this missense variant is not expected to disrupt TBL1XR1 protein function with a negative predictive value of 95%. In summary, the available evidence is currently insufficient to determine the role of this variant in disease. Therefore, it has been classified as a Variant of Uncertain Significance.